The following is an entry in ClinVar:

ClinVar aggregate classification (germline): Likely benign (1 of 4 stars; one submission).

Submission:

CeGaT Center for Human Genetics Tuebingen
Classification: Likely benign. Last evaluated: 2025-04-01. Review status: criteria provided, single submitter. Criteria: CeGaT Center For Human Genetics Tuebingen Variant Classification Criteria Version 2. Collection method: clinical testing. Allele origin: germline. Affected: yes. Observed: 3 variant alleles.
Comment: KMT5B: PP2, BP4, BS2

NM_017635.5(KMT5B):c.1019C>T (p.Ala340Val)

Gene: KMT5B (lysine methyltransferase 5B; minus strand). Cytogenetic location: 11q13.2.
Variant type: single nucleotide variant.
Coding change: c.1019C>T on transcript NM_017635.5 (MANE Select); coding-DNA position 1019, C replaced by T.
Protein change: p.Ala340Val; replaces alanine 340 with valine.
Molecular consequence: missense variant. On other transcripts: non-coding transcript variant (3).
Genome position (GRCh38, 1-based): chr11:68,167,137, G>A on the plus strand (C>T on the coding strand, the complement: KMT5B is on the minus strand). VCF-style: chr11-68167137-G-A. GRCh37 (hg19) VCF-style: chr11-67934604-G-A.
Other names: c.503C>T, p.Ala168Val (NM_001300907.1, NM_001369424.1, NM_001369428.1 and 5 more transcripts); c.299C>T, p.Ala100Val (NM_001300908.2); c.950C>T, p.Ala317Val (NM_001300909.2); c.1019C>T, p.Ala340Val (NM_001363566.2, NM_001369426.1, NM_001369427.1 and 1 more transcripts); c.806C>T, p.Ala269Val (NM_001369425.1); short protein forms A100V, A168V, A269V, A317V, A340V.
Identifiers: ClinVar variation 3257648 (VCV003257648.17).